The following is an entry in ClinVar:

NM_003482.4(KMT2D):c.15921+1G>A

Gene: KMT2D (lysine methyltransferase 2D; minus strand). Cytogenetic location: 12q13.12.
Variant type: single nucleotide variant.
Coding change: c.15921+1G>A on transcript NM_003482.4 (MANE Select); the canonical splice donor site of the intron after coding-DNA position 15921, G replaced by A.
Molecular consequence: splice donor variant.
Genome position (GRCh38, 1-based): chr12:49,024,809, C>T on the plus strand (G>A on the coding strand, the complement: KMT2D is on the minus strand). VCF-style: chr12-49024809-C-T. GRCh37 (hg19) VCF-style: chr12-49418592-C-T.
Identifiers: ClinVar variation 463011 (VCV000463011.7), dbSNP rs1555185299, ClinGen allele CA384682340.
Genomic context (GRCh38, chr12:49,024,809, plus strand): 5'-TGGGGTTAGGCCAAAGTTCTCAGTGCCCGCCAAGCCCCCCAGCTCCCAGCCCCTTCCTTA[C>T]TGATTCAGCTATGCGAAGCACGGCATGCACCGTCAGCCCAAAGAGCTCCTCGCCCTTCAG-3'

ClinVar aggregate classification (germline): Likely pathogenic (1 of 4 stars; one submission).

Conditions:
Kabuki syndrome. Also called: Kabuki make-up syndrome; NIIKAWA-KUROKI SYNDROME. Identifiers: Orphanet 2322, MedGen C0796004, MONDO:0016512.

Submission:

Labcorp Genetics (formerly Invitae), Labcorp
Classification: Likely pathogenic for Kabuki syndrome. Last evaluated: 2017-03-31. Review status: criteria provided, single submitter. Criteria: Invitae Variant Classification Sherloc (09022015). Collection method: clinical testing. Allele origin: germline.
Comment: This variant has not been reported in the literature in individuals with a KMT2D-related disease. In summary, donor and acceptor splice site variants are typically loss-of-function (PMID: 16199547), and loss-of-function variants in KMT2D are known to be pathogenic (PMID: 24633898, 22126750). However, without additional functional and/or genetic data, this variant has been classified as Likely Pathogenic. This sequence change affects a donor splice site in intron 49 of the KMT2D gene. It is expected to disrupt RNA splicing and likely results in an absent or disrupted protein product.

Literature cited by the submitters: PubMed 16199547; PubMed 24633898; PubMed 22126750.